The following is an entry in ClinVar:

ClinVar aggregate classification (germline): Uncertain significance (1 of 4 stars; one submission).

Conditions:
Leukocyte adhesion deficiency type II. Also called: CONGENITAL DISORDER OF GLYCOSYLATION, TYPE IIc; Congenital disorder of glycosylation type 2C; CDG 2C; Leukocyte adhesion deficiency type 2; Rambam Hasharon syndrome; CDG IIc. Identifiers: Orphanet 2968, Orphanet 99843, MedGen C0398739, MONDO:0009953, OMIM 266265.

Allele frequency attached by ClinVar (database versions not stated): gnomAD 0.00001 and 0.00002; ExAC 0.00002; gnomAD exomes 0.00002 and 0.00003; TOPMed 0.00002; ESP Exome Variant Server 0.00008.
gnomAD v4.1: 39 of 1,613,112 alleles (0.0024%); highest among the groups gnomAD compares: Non-Finnish European, 0.003%; no homozygotes.

Submission:

Labcorp Genetics (formerly Invitae), Labcorp
Classification: Uncertain significance for Leukocyte adhesion deficiency type II. Last evaluated: 2022-07-25. Review status: criteria provided, single submitter. Criteria: Invitae Variant Classification Sherloc (09022015). Collection method: clinical testing. Allele origin: germline.
Comment: This sequence change replaces proline, which is neutral and non-polar, with leucine, which is neutral and non-polar, at codon 293 of the SLC35C1 protein (p.Pro293Leu). This variant is present in population databases (rs372897536, gnomAD 0.004%). This variant has not been reported in the literature in individuals affected with SLC35C1-related conditions. ClinVar contains an entry for this variant (Variation ID: 665492). Algorithms developed to predict the effect of missense changes on protein structure and function (SIFT, PolyPhen-2, Align-GVGD) all suggest that this variant is likely to be disruptive. In summary, the available evidence is currently insufficient to determine the role of this variant in disease. Therefore, it has been classified as a Variant of Uncertain Significance.

NM_018389.5(SLC35C1):c.878C>T (p.Pro293Leu)

Gene: SLC35C1 (solute carrier family 35 member C1; plus strand). Cytogenetic location: 11p11.2.
Variant type: single nucleotide variant.
Coding change: c.878C>T on transcript NM_018389.5 (MANE Select); coding-DNA position 878, C replaced by T.
Protein change: p.Pro293Leu; replaces proline 293 with leucine.
Molecular consequence: missense variant.
Genome position (GRCh38, 1-based): chr11:45,811,118, C>T. VCF-style: chr11-45811118-C-T. GRCh37 (hg19) VCF-style: chr11-45832669-C-T.
Other names: c.839C>T, p.Pro280Leu (NM_001145265.2, NM_001145266.2); short protein forms P293L, P280L.
Identifiers: ClinVar variation 665492 (VCV000665492.7), dbSNP rs372897536, ClinGen allele CA5958349.
Genomic context (GRCh38, chr11:45,811,118, plus strand): 5'-GCGGCCTGTTTGGCTTTGCCATCGGCTACGTGACAGGACTGCAGATCAAGTTCACCAGTC[C>T]GCTGACCCACAATGTGTCGGGCACGGCCAAGGCCTGTGCCCAGACAGTGCTGGCCGTGCT-3'
Protein context (NP_060859.4, residues 283-303): VTGLQIKFTS[Pro293Leu]LTHNVSGTAK